The following is an entry in ClinVar:

ClinVar aggregate classification (germline): Likely pathogenic (1 of 4 stars; one submission).

Conditions:
Hereditary cancer-predisposing syndrome. Also called: Hereditary Cancer Syndrome; Hereditary neoplastic syndrome; Neoplastic Syndromes, Hereditary; Tumor predisposition. Identifiers: Orphanet 140162, MedGen C0027672, MeSH D009386, MONDO:0015356.

Submission:

Sema4
Classification: Likely pathogenic for Hereditary cancer-predisposing syndrome. Last evaluated: 2021-10-27. Review status: criteria provided, single submitter. Criteria: Sema4 Curation Guidelines. Collection method: curation. Allele origin: germline.
Comment: To the best of our knowledge, the ATM c.3997_3998insCCACCATGCCAGGCTTCTGCGGATGCTTATACGCCTTCAAACCACCGGCCAGCTTGCCCTCCTGCGTGAAGGGAACCGAT (p.D1333AfsX43) variant has not been reported in individuals with ATM-related disease. This variant causes a frameshift at amino acid 1333 that results in premature termination 43 amino acids downstream. At this location, this variant is predicted to cause loss of normal protein function either through protein truncation or nonsense-mediated mRNA decay. Loss of function variants in ATM are known to be pathogenic (PMID: 31050087). This variant is not reported in the population database Genome Aggregation Database (PMID: 32461654), and has not been reported in ClinVar. Based on the current evidence available, this variant is interpreted as likely pathogenic.

Literature cited by the submitters: PubMed 31050087.

NM_000051.4(ATM):c.3997_3998insCCACCATGCCAGGCTTCTGCGGATGCTTATACGCCTTCAAACCACCGGCCAGCTTGCCCTCCTGCGTGAAGGGAACCGAT (p.Asp1333fs)

Gene: ATM (ATM serine/threonine kinase; plus strand). Cytogenetic location: 11q22.3.
Variant type: Insertion.
Coding change: c.3997_3998insCCACCATGCCAGGCTTCTGCGGATGCTTATACGCCTTCAAACCACCGGCCAGCTTGCCCTCCTGCGTGAAGGGAACCGAT on transcript NM_000051.4 (MANE Select); coding-DNA positions 3997 to 3998, CCACCATGCCAGGCTTCTGCGGATGCTTATACGCCTTCAAACCACCGGCCAGCTTGCCCTCCTGCGTGAAGGGAACCGAT inserted.
Protein change: p.Asp1333fs; shifts the reading frame from aspartic acid 1333.
Molecular consequence: frameshift variant.
Genome position: GRCh38: chr11:108,287,603-108,287,604. GRCh37 (hg19): chr11:108,158,330-108,158,331.
Other names: c.3997_3998insCCACCATGCCAGGCTTCTGCGGATGCTTATACGCCTTCAAACCACCGGCCAGCTTGCCCTCCTGCGTGAAGGGAACCGAT, p.Asp1333fs (NM_001351834.2); short protein forms D1333fs.
Identifiers: ClinVar variation 1692686 (VCV001692686.1), dbSNP rs2135735043, ClinGen allele CA2573146718.